The following is an entry in ClinVar:

NM_001244008.2(KIF1A):c.4120G>A (p.Glu1374Lys)

Gene: KIF1A (kinesin family member 1A; minus strand). Cytogenetic location: 2q37.3.
Variant type: single nucleotide variant.
Coding change: c.4120G>A on transcript NM_001244008.2 (MANE Select); coding-DNA position 4120, G replaced by A.
Protein change: p.Glu1374Lys; replaces glutamic acid 1374 with lysine.
Molecular consequence: missense variant.
Genome position (GRCh38, 1-based): chr2:240,726,828, C>T on the plus strand (G>A on the coding strand, the complement: KIF1A is on the minus strand). VCF-style: chr2-240726828-C-T. GRCh37 (hg19) VCF-style: chr2-241666245-C-T.
Other names: c.3844G>A, p.Glu1282Lys (NM_001320705.2, NM_001379649.1); c.3871G>A, p.Glu1291Lys (NM_001330289.2); c.3919G>A, p.Glu1307Lys (NM_001330290.2, NM_001379648.1); c.4195G>A, p.Glu1399Lys (NM_001379631.1); c.4096G>A, p.Glu1366Lys (NM_001379632.1); c.4093G>A, p.Glu1365Lys (NM_001379633.1, NM_001379645.1); c.3946G>A, p.Glu1316Lys (NM_001379634.1); c.3943G>A, p.Glu1315Lys (NM_001379635.1, NM_001379646.1); and 7 more; short protein forms E1374K, E1273K, E1307K, E1282K, E1291K, E1272K, E1281K, E1290K.
Identifiers: ClinVar variation 532872 (VCV000532872.10), dbSNP rs951775920, ClinGen allele CA68141126.

ClinVar aggregate classification (germline): Conflicting classifications of pathogenicity. Review status: criteria provided, conflicting classifications (1 of 4 stars). 3 submissions from 3 submitters: Uncertain significance (2); Likely benign (1). Last evaluated 2025-11-24.

Conditions:
Neuropathy, hereditary sensory, type 2C. Also called: KIF1A-Related HSAN2 (HSAN2C); Hereditary sensory and autonomic neuropathy type IIC. Identifiers: Orphanet 970, MedGen C3280168, MONDO:0013634, OMIM 614213.
Intellectual disability, autosomal dominant 9 (NESCAVS). Also called: NESCAV SYNDROME; KIF1A-Related Neurodevelopmental Disorder. Identifiers: Orphanet 662367, MedGen C5393830, MONDO:0013656, OMIM 614255.
Hereditary spastic paraplegia 30. Identifiers: Orphanet 101010, MedGen C5235139, MONDO:0012476.
Inborn genetic diseases. Identifiers: MedGen C0950123, MeSH D030342.

Allele frequency attached by ClinVar (database versions not stated): gnomAD 0.00018 and 0.00003; TOPMed 0.00019; gnomAD exomes 0.00001 and 0.00002.
gnomAD v4.1: 47 of 1,600,624 alleles (0.0029%); highest among the groups gnomAD compares: Non-Finnish European, 0.0021%; no homozygotes.

Submissions (3):

Labcorp Genetics (formerly Invitae), Labcorp
Classification: Likely benign for Hereditary spastic paraplegia 30; Neuropathy, hereditary sensory, type 2C; Intellectual disability, autosomal dominant 9. Last evaluated: 2025-11-24. Review status: criteria provided, single submitter. Criteria: Invitae Variant Classification Sherloc (09022015). Collection method: clinical testing. Allele origin: germline.

Neuberg Centre For Genomic Medicine, NCGM
Classification: Uncertain significance for Spastic paraplegia 30A, autosomal dominant. Last evaluated: 2023-05-20. Review status: criteria provided, single submitter. Criteria: ACMG Guidelines, 2015. Collection method: clinical testing. Allele origin: germline. Inheritance: Autosomal dominant inheritance. Affected: yes.
Comment: The missense c.4120G>A (p.Glu1374Lys) variant in the KIF1A gene has not been reported previously as a pathogenic variant nor as a benign variant, to our knowledge. This variant is reported with the allele frequency (0.001%) in the gnomAD Exomes. This variant has been reported to the ClinVar database as Uncertain Significance. However, no details are available for independent assessment. The amino acid Glutamic acid at position 1374 is changed to a Lysine changing protein sequence and it might alter its composition and physico-chemical properties. Multiple lines of computational evidence (Polyphen - Damaging, SIFT – Damaging and MutationTaster - Disease causing) predict a damaging effect on protein structure and function for this variant. The amino acid change p.Glu1374Lys in KIF1A is predicted as conserved by GERP++ and PhyloP across 100 vertebrates. For these reasons, this variant has been classified as Uncertain Significance.

Ambry Genetics
Classification: Uncertain significance for Inborn genetic diseases. Last evaluated: 2022-02-18. Review status: criteria provided, single submitter. Criteria: Ambry Variant Classification Scheme 2023. Collection method: clinical testing. Allele origin: germline.
Comment: The p.E1374K variant (also known as c.4120G>A), located in coding exon 38 of the KIF1A gene, results from a G to A substitution at nucleotide position 4120. The glutamic acid at codon 1374 is replaced by lysine, an amino acid with similar properties. This amino acid position is highly conserved in available vertebrate species. In addition, the in silico prediction for this alteration is inconclusive. Since supporting evidence is limited at this time, the clinical significance of this alteration remains unclear.